The following is an entry in ClinVar:

ClinVar aggregate classification (germline): Uncertain significance (1 of 4 stars; one submission).

Allele frequency attached by ClinVar (database versions not stated): gnomAD exomes below 0.00001.
gnomAD v4.1: 1 of 1,614,126 alleles (0.000062%); highest among the groups gnomAD compares: East Asian, 0.0022%; no homozygotes.

Submission:

Labcorp Genetics (formerly Invitae), Labcorp
Classification: Uncertain significance. Last evaluated: 2023-12-15. Review status: criteria provided, single submitter. Criteria: Invitae Variant Classification Sherloc (09022015). Collection method: clinical testing. Allele origin: germline.
Comment: This sequence change replaces tyrosine, which is neutral and polar, with histidine, which is basic and polar, at codon 175 of the SAMD9 protein (p.Tyr175His). This variant is present in population databases (no rsID available, gnomAD 0.006%). This variant has not been reported in the literature in individuals affected with SAMD9-related conditions. Advanced modeling of protein sequence and biophysical properties (such as structural, functional, and spatial information, amino acid conservation, physicochemical variation, residue mobility, and thermodynamic stability) has been performed at Invitae for this missense variant, however the output from this modeling did not meet the statistical confidence thresholds required to predict the impact of this variant on SAMD9 protein function. In summary, the available evidence is currently insufficient to determine the role of this variant in disease. Therefore, it has been classified as a Variant of Uncertain Significance.

NM_017654.4(SAMD9):c.523T>C (p.Tyr175His)

Gene: SAMD9 (sterile alpha motif domain containing 9; minus strand). Cytogenetic location: 7q21.2.
Variant type: single nucleotide variant.
Coding change: c.523T>C on transcript NM_017654.4 (MANE Select); coding-DNA position 523, T replaced by C.
Protein change: p.Tyr175His; replaces tyrosine 175 with histidine.
Molecular consequence: missense variant.
Genome position (GRCh38, 1-based): chr7:93,105,575, A>G on the plus strand (T>C on the coding strand, the complement: SAMD9 is on the minus strand). VCF-style: chr7-93105575-A-G. GRCh37 (hg19) VCF-style: chr7-92734888-A-G.
Other names: c.523T>C, p.Tyr175His (NM_001193307.2); short protein forms Y175H.
Identifiers: ClinVar variation 2703337 (VCV002703337.3), dbSNP rs1184456364, ClinGen allele CA368204782.
Genomic context (GRCh38, chr7:93,105,575, plus strand): 5'-GTATCGGATCAATGAGATTGCCTGGTCCTGTTTCAGGCTGTAGACTAAAATCCAACTTGT[A>G]ACGATATGGATTACTGAATTCATCAAATGGATATGATACACATGTCAGGTCTATGGATGG-3'
Protein context (NP_060124.2, residues 165-185): PFDEFSNPYR[Tyr175His]KLDFSLQPET